The following is an entry in ClinVar:

ClinVar aggregate classification (germline): Uncertain significance. Review status: criteria provided, multiple submitters, no conflicts (2 of 4 stars). 2 submissions from 2 submitters: Uncertain significance (2). Last evaluated 2026-04-08.

Conditions:
Inborn genetic diseases. Identifiers: MedGen C0950123, MeSH D030342.
Juvenile retinoschisis (RS1). Also called: X-linked retinoschisis; X-Linked Juvenile Retinoschisis. Identifiers: Orphanet 792, MedGen C3714753, MONDO:0010725, OMIM 312700.

Allele frequency attached by ClinVar (database versions not stated): ESP Exome Variant Server 0.00009.
gnomAD v4.1: 3 of 1,211,180 alleles (0.00025%); highest among the groups gnomAD compares: Non-Finnish European, 0.00034%; no homozygotes.

Submissions (2):

Ambry Genetics
Classification: Uncertain significance for Inborn genetic diseases. Last evaluated: 2026-04-08. Review status: criteria provided, single submitter. Criteria: Ambry Variant Classification Scheme 2023. Collection method: clinical testing. Allele origin: germline.

Centre for Mendelian Genomics, University Medical Centre Ljubljana
Classification: Uncertain significance for Juvenile retinoschisis. Last evaluated: 2020-01-17. Review status: criteria provided, single submitter. Criteria: ACMG Guidelines, 2015. Collection method: clinical testing. Allele origin: unknown. Affected: yes.
Comment: This variant was classified as: Uncertain significance. The available evidence favors the pathogenic nature of this variant, however the currently available data is insufficient to conclusively support its pathogenic nature. Thus this variant is classified as Uncertain significance - favor pathogenic. The following ACMG criteria were applied in classifying this variant: PM2,PP2,PP3.

NM_000330.4(RS1):c.320G>T (p.Gly107Val)

Genes: CDKL5 (cyclin dependent kinase like 5; plus strand), RS1 (retinoschisin 1; minus strand). Cytogenetic location: Xp22.13.
Variant type: single nucleotide variant.
Coding change: c.320G>T on transcript NM_000330.4 (MANE Select); coding-DNA position 320, G replaced by T.
Protein change: p.Gly107Val; replaces glycine 107 with valine.
Molecular consequence: missense variant. On other transcripts: intron variant (2).
Genome position (GRCh38, 1-based): chrX:18,647,197, C>A on the plus strand (G>T on the coding strand, the complement: RS1 is on the minus strand). VCF-style: chrX-18647197-C-A. GRCh37 (hg19) VCF-style: chrX-18665317-C-A.
Other names: c.2797+1107C>A (NM_003159.3, NM_001037343.2); short protein forms G107V.
Identifiers: ClinVar variation 930876 (VCV000930876.6), dbSNP rs143682861, ClinGen allele CA327012288.
Genomic context (GRCh38, chrX:18,647,197, plus strand): 5'-GAGGCCTATTTTTTTTTAAAAGCACATGAAAAAAAATCCCCGGGCCCTGCTTACCCAAAG[C>A]CTTGACTGTTGAGCCGGGCCTTGTTTGCAGTCCACGAAGAATACCAGCCCACATACTGCT-3'
Protein context (NP_000321.1, residues 97-117): TANKARLNSQ[Gly107Val]FGCAWLSKFQ